The following is an entry in ClinVar:

NM_021926.4(ALX4):c.778del

Gene: ALX4 (ALX homeobox 4; minus strand). Cytogenetic location: 11p11.2.
Variant type: Deletion.
Coding change: c.778del on transcript NM_021926.4 (MANE Select); coding-DNA position 778, one base deleted (G; older notation c.778delG).
Molecular consequence: splice acceptor variant.
Genome position (GRCh38, 1-based): chr11:44,267,622, C deleted on the plus strand (G on the coding strand, the reverse complement: ALX4 is on the minus strand); the first of 2 consecutive C bases (chr11:44,267,622-44,267,623); deleting either gives the same sequence. VCF-style (leftmost placement, unchanged base first): chr11-44267621-AC-A. GRCh37 (hg19) VCF-style: chr11-44289171-AC-A.
Identifiers: ClinVar variation 4880582 (VCV004880582.2).

ClinVar aggregate classification (germline): Likely pathogenic (1 of 4 stars; one submission).

Submission:

Dasa
Classification: Likely pathogenic. Last evaluated: 2025-07-02. Review status: criteria provided, single submitter. Criteria: DASA Assertion Criteria. Collection method: clinical testing. Allele origin: germline.
Comment: NM_021926.4(ALX4):c.778del (p.Val260Serfs*91) is a frameshift variant in ALX4 predicted to alter the reading frame and introduce a premature termination codon and is predicted to result in an absent or altered protein product. Loss of function is an established disease mechanism for ALX4 (PMID: 11137991; PMID: 11106354; PMID: 16319823). Also, this variant is absent from population databases. Based on the currently available evidence, this variant is classified as likely pathogenic.

Literature cited by the submitters: PubMed 11137991; PubMed 11106354; PubMed 16319823.